The following is an entry in ClinVar:

ClinVar aggregate classification (germline): Uncertain significance (1 of 4 stars; one submission).

Submission:

Labcorp Genetics (formerly Invitae), Labcorp
Classification: Uncertain significance. Last evaluated: 2025-09-22. Review status: criteria provided, single submitter. Criteria: Invitae Variant Classification Sherloc (09022015). Collection method: clinical testing. Allele origin: germline.
Comment: This sequence change replaces methionine, which is neutral and non-polar, with lysine, which is basic and polar, at codon 2267 of the POLE protein (p.Met2267Lys). This variant is not present in population databases (gnomAD no frequency). This variant has not been reported in the literature in individuals affected with POLE-related conditions. ClinVar contains an entry for this variant (Variation ID: 3658384). Invitae Evidence Modeling of protein sequence and biophysical properties (such as structural, functional, and spatial information, amino acid conservation, physicochemical variation, residue mobility, and thermodynamic stability) indicates that this missense variant is expected to disrupt POLE protein function with a positive predictive value of 80%. In summary, the available evidence is currently insufficient to determine the role of this variant in disease. Therefore, it has been classified as a Variant of Uncertain Significance.

NM_006231.4(POLE):c.6800T>A (p.Met2267Lys)

Gene: POLE (DNA polymerase epsilon, catalytic subunit; minus strand). Cytogenetic location: 12q24.33.
Variant type: single nucleotide variant.
Coding change: c.6800T>A on transcript NM_006231.4 (MANE Select); coding-DNA position 6800, T replaced by A.
Protein change: p.Met2267Lys; replaces methionine 2267 with lysine.
Molecular consequence: missense variant.
Genome position (GRCh38, 1-based): chr12:132,624,758, A>T on the plus strand (T>A on the coding strand, the complement: POLE is on the minus strand). VCF-style: chr12-132624758-A-T. GRCh37 (hg19) VCF-style: chr12-133201344-A-T.
Other names: short protein forms M2267K.
Identifiers: ClinVar variation 3658384 (VCV003658384.2).
Genomic context (GRCh38, chr12:132,624,758, plus strand): 5'-TAATGGCCCAGCTGTGGGTTCTTCTGCAGCAGCCACTCCAGGGTCTCCAGGAGGTACGAC[A>T]TGCCGTAGTGCTGGGCAATGTTCCGGAATATTCCGATCTGTTCCATGAAGACCTGCAGGA-3'
Protein context (NP_006222.2, residues 2257-2277): IFRNIAQHYG[Met2267Lys]SYLLETLEWL